The following is an entry in ClinVar:

ClinVar aggregate classification (germline): Uncertain significance (1 of 4 stars; one submission).

Submission:

CeGaT Center for Human Genetics Tuebingen
Classification: Uncertain significance. Last evaluated: 2024-08-01. Review status: criteria provided, single submitter. Criteria: CeGaT Center For Human Genetics Tuebingen Variant Classification Criteria Version 2. Collection method: clinical testing. Allele origin: germline. Affected: yes. Observed: 1 variant allele.
Comment: COL11A1: PM2, PP3

NM_001854.4(COL11A1):c.3904G>T (p.Asp1302Tyr)

Gene: COL11A1 (collagen type XI alpha 1 chain; minus strand). Cytogenetic location: 1p21.1.
Variant type: single nucleotide variant.
Coding change: c.3904G>T on transcript NM_001854.4 (MANE Select); coding-DNA position 3904, G replaced by T.
Protein change: p.Asp1302Tyr; replaces aspartic acid 1302 with tyrosine.
Molecular consequence: missense variant. On other transcripts: non-coding transcript variant (1).
Genome position (GRCh38, 1-based): chr1:102,914,724, C>A on the plus strand (G>T on the coding strand, the complement: COL11A1 is on the minus strand). VCF-style: chr1-102914724-C-A. GRCh37 (hg19) VCF-style: chr1-103380280-C-A.
Other names: c.3787G>T, p.Asp1263Tyr (NM_001190709.2); c.3940G>T, p.Asp1314Tyr (NM_080629.3); c.3556G>T, p.Asp1186Tyr (NM_080630.4); short protein forms D1186Y, D1263Y, D1302Y, D1314Y.
Identifiers: ClinVar variation 3342110 (VCV003342110.16).